The following is an entry in ClinVar:

NM_001271.4(CHD2):c.4137+86G>A

Gene: CHD2 (chromodomain helicase DNA binding protein 2; plus strand). Cytogenetic location: 15q26.1.
Variant type: single nucleotide variant.
Coding change: c.4137+86G>A on transcript NM_001271.4 (MANE Select); 86 bases into the intron after coding-DNA position 4137, G replaced by A.
Molecular consequence: intron variant.
Genome position (GRCh38, 1-based): chr15:93,000,726, G>A. VCF-style: chr15-93000726-G-A. GRCh37 (hg19) VCF-style: chr15-93543956-G-A.
Identifiers: ClinVar variation 678933 (VCV000678933.4), dbSNP rs12591124, ClinGen allele CA14090907.

ClinVar aggregate classification (germline): Benign. Review status: criteria provided, multiple submitters, no conflicts (2 of 4 stars). 3 submissions from 3 submitters: Benign (3). Last evaluated 2024-07-15.

Allele frequency attached by ClinVar (database versions not stated): gnomAD 0.35462 and 0.36658; TOPMed 0.36499; gnomAD exomes 0.39707; 1000 Genomes Project 30x 0.44769; 1000 Genomes Project 0.46046.
gnomAD v4.1: 551,965 of 1,400,812 alleles (39%); highest among the groups gnomAD compares: East Asian, 79%; 115,747 homozygotes.

Submissions (3):

Unidad de Genómica Garrahan, Hospital de Pediatría Garrahan
Classification: Benign. Last evaluated: 2024-07-15. Review status: criteria provided, single submitter. Criteria: ACMG Guidelines, 2015. Collection method: clinical testing. Allele origin: germline. Affected: no. Observed: 19 variant alleles.
Comment: This variant is classified as Benign based on local population frequency. This variant was detected in 20% of patients studied in a panel designed for Epileptic and Developmental Encephalopathy and Progressive Myoclonus Epilepsy. Number of patients: 19. Only high quality variants are reported.

GeneDx
Classification: Benign. Last evaluated: 2018-06-14. Review status: criteria provided, single submitter. Criteria: GeneDx Variant Classification (06012015). Collection method: clinical testing. Allele origin: germline. Affected: yes.
Comment: This variant is considered likely benign or benign based on one or more of the following criteria: it is a conservative change, it occurs at a poorly conserved position in the protein, it is predicted to be benign by multiple in silico algorithms, and/or has population frequency not consistent with disease.

Breakthrough Genomics
Classification: Benign. Review status: criteria provided, single submitter. Criteria: ACMG Guidelines, 2015. Collection method: not provided. Allele origin: germline. Inheritance: Autosomal dominant inheritance. Affected: yes.